The following is an entry in ClinVar:

NM_000937.5(POLR2A):c.170T>C (p.Leu57Pro)

Gene: POLR2A (RNA polymerase II subunit A; plus strand). Cytogenetic location: 17p13.1.
Variant type: single nucleotide variant.
Coding change: c.170T>C on transcript NM_000937.5 (MANE Select); coding-DNA position 170, T replaced by C.
Protein change: p.Leu57Pro; replaces leucine 57 with proline.
Molecular consequence: missense variant.
Genome position (GRCh38, 1-based): chr17:7,496,017, T>C. VCF-style: chr17-7496017-T-C. GRCh37 (hg19) VCF-style: chr17-7399336-T-C.
Other names: short protein forms L57P.
Identifiers: ClinVar variation 2580815 (VCV002580815.2), dbSNP rs2508102247, ClinGen allele CA397853398.

ClinVar aggregate classification (germline): Uncertain significance (1 of 4 stars; one submission).

Submission:

GeneDx
Classification: Uncertain significance. Last evaluated: 2023-12-19. Review status: criteria provided, single submitter. Criteria: GeneDx Variant Classification Process June 2021. Collection method: clinical testing. Allele origin: germline.
Comment: Not observed at significant frequency in large population cohorts (gnomAD); In silico analysis supports that this missense variant has a deleterious effect on protein structure/function; Has not been previously published as pathogenic or benign to our knowledge